The following is an entry in ClinVar:

NC_000006.11:g.(?_108385369)_(108385523_?)del

Gene: OSTM1 (osteoclastogenesis associated transmembrane protein 1; minus strand). Cytogenetic location: 6q21.
Variant type: Deletion.
Identifiers: ClinVar variation 3246216 (VCV003246216.1).

ClinVar aggregate classification (germline): Pathogenic (1 of 4 stars; one submission).

Submission:

Labcorp Genetics (formerly Invitae), Labcorp
Classification: Pathogenic. Last evaluated: 2023-06-23. Review status: criteria provided, single submitter. Criteria: Invitae Variant Classification Sherloc (09022015). Collection method: clinical testing. Allele origin: unknown.
Comment: For these reasons, this variant has been classified as Pathogenic. A similar copy number variant has been observed in individual(s) with osteopetrosis (PMID: 23685543). This variant is a gross deletion of the genomic region encompassing exon(s) 2 of the OSTM1 gene. This deletion is out-of-frame, and is expected to create a premature termination codon and result in an absent or disrupted protein product. Loss-of-function variants in OSTM1 are known to be pathogenic (PMID: 12627228, 15108279, 16813530).

Literature cited by the submitters: PubMed 23685543; PubMed 12627228; PubMed 15108279; PubMed 16813530.